The following is an entry in ClinVar:

ClinVar aggregate classification (germline): Pathogenic. Review status: criteria provided, multiple submitters, no conflicts (2 of 4 stars). 2 submissions from 2 submitters: Pathogenic (2). Last evaluated 2025-07-21.

Submissions (2):

Labcorp Genetics (formerly Invitae), Labcorp
Classification: Pathogenic. Last evaluated: 2025-07-21. Review status: criteria provided, single submitter. Criteria: Invitae Variant Classification Sherloc (09022015). Collection method: clinical testing. Allele origin: germline.
Comment: This sequence change creates a premature translational stop signal (p.Phe678Serfs*11) in the PHEX gene. It is expected to result in an absent or disrupted protein product. Loss-of-function variants in PHEX are known to be pathogenic (PMID: 9097956, 9106524, 19219621). This variant is not present in population databases (gnomAD no frequency). This variant has not been reported in the literature in individuals affected with PHEX-related conditions. ClinVar contains an entry for this variant (Variation ID: 373140). For these reasons, this variant has been classified as Pathogenic.

GeneDx
Classification: Pathogenic. Last evaluated: 2016-11-02. Review status: criteria provided, single submitter. Criteria: GeneDx Variant Classification (06012015). Collection method: clinical testing. Allele origin: germline. Affected: yes.
Comment: The c.2028_2032dupCACAT pathogenic variant in the PHEX gene causes a frameshift starting with codon Phenylalanine, changes this amino acid to a Serine residue and creates a premature Stop codon at position 11 of the new reading frame, denoted p.Phe678SerfsX11. This pathogenic variant is predicted to cause loss of normal protein function either through protein truncation or nonsense-mediated mRNA decay. Additionally, the c.2028_2032dupCACAT variant was not observed in approximately 6,500 individuals of European and African American ancestry in the NHLBI Exome Sequencing Project.

Literature cited by the submitters: PubMed 9097956 (cited by Labcorp Genetics (formerly Invitae), Labcorp); PubMed 9106524 (cited by Labcorp Genetics (formerly Invitae), Labcorp); PubMed 19219621 (cited by Labcorp Genetics (formerly Invitae), Labcorp).

NM_000444.6(PHEX):c.2028_2032dup (p.Phe678fs)

Genes: PHEX (phosphate regulating endopeptidase X-linked; plus strand), PTCHD1-AS (PTCHD1 and PHEX antisense RNA; minus strand). Cytogenetic location: Xp22.11.
Variant type: Duplication.
Coding change: c.2028_2032dup on transcript NM_000444.6 (MANE Select); coding-DNA positions 2028 to 2032, 5 bases duplicated (CACAT; older notation c.2028_2032dupCACAT).
Protein change: p.Phe678fs; shifts the reading frame from phenylalanine 678.
Molecular consequence: frameshift variant. On other transcripts: non-coding transcript variant (1).
Genome position (GRCh38, 1-based): chrX:22,227,569-22,227,573, CACAT duplicated; duplicating any 5 consecutive bases within chrX:22,227,566-22,227,573 gives the same sequence; the c. name uses the placement nearest the transcript's 3' end. VCF-style (leftmost placement, unchanged base first): chrX-22227565-G-GCATCA. GRCh37 (hg19) VCF-style: chrX-22245682-G-GCATCA.
Other names: c.2028_2032dup, p.Phe678fs (NM_001282754.2); short protein forms F678fs.
Identifiers: ClinVar variation 373140 (VCV000373140.9), dbSNP rs1057518246, ClinGen allele CA16043219.